The following is an entry in ClinVar:

NM_000276.4(OCRL):c.663del (p.Leu222fs)

Gene: OCRL (OCRL inositol polyphosphate-5-phosphatase; plus strand). Cytogenetic location: Xq26.1.
Variant type: Deletion.
Coding change: c.663del on transcript NM_000276.4 (MANE Select); coding-DNA position 663, one base deleted (T; older notation c.663delT).
Protein change: p.Leu222fs; shifts the reading frame from leucine 222.
Molecular consequence: frameshift variant.
Genome position (GRCh38, 1-based): chrX:129,558,942, T deleted. VCF-style (leftmost placement, unchanged base first): chrX-129558941-GT-G. GRCh37 (hg19) VCF-style: chrX-128692918-GT-G.
Other names: c.666del, p.Leu223fs (NM_001318784.2); c.663del, p.Leu222fs (NM_001587.4); short protein forms L222fs, L223fs.
Identifiers: ClinVar variation 1440540 (VCV001440540.6), dbSNP rs2124402639, ClinGen allele CA2573159236.

ClinVar aggregate classification (germline): Pathogenic (1 of 4 stars; one submission).

Conditions:
Lowe syndrome (OCRL). Also called: Oculocerebrorenal Syndrome; LOWE OCULOCEREBRORENAL SYNDROME; PHOSPHATIDYLINOSITOL 4,5-BISPHOSPHATE 5-PHOSPHATASE DEFICIENCY. Identifiers: Orphanet 534, MedGen C0028860, MONDO:0010645, OMIM 309000.

Submission:

Labcorp Genetics (formerly Invitae), Labcorp
Classification: Pathogenic for Lowe syndrome. Last evaluated: 2021-09-29. Review status: criteria provided, single submitter. Criteria: Invitae Variant Classification Sherloc (09022015). Collection method: clinical testing. Allele origin: germline.
Comment: For these reasons, this variant has been classified as Pathogenic. This variant has not been reported in the literature in individuals affected with OCRL-related conditions. This variant is not present in population databases (ExAC no frequency). This sequence change creates a premature translational stop signal (p.Leu222Serfs*28) in the OCRL gene. It is expected to result in an absent or disrupted protein product. Loss-of-function variants in OCRL are known to be pathogenic (PMID: 19390221, 21031565, 22381590).

Literature cited by the submitters: PubMed 19390221; PubMed 21031565; PubMed 22381590.